The following is an entry in ClinVar:

ClinVar aggregate classification (germline): Uncertain significance (1 of 4 stars; one submission).

Submission:

GeneDx
Classification: Uncertain significance. Last evaluated: 2020-10-28. Review status: criteria provided, single submitter. Criteria: GeneDx Variant Classification Process June 2021. Collection method: clinical testing. Allele origin: germline. Affected: yes.
Comment: Not observed in large population cohorts (Lek et al., 2016); In silico analysis supports that this missense variant has a deleterious effect on protein structure/function; Has not been previously published as pathogenic or benign to our knowledge

NM_006496.4(GNAI3):c.1037A>T (p.Asn346Ile)

Gene: GNAI3 (G protein subunit alpha i3; plus strand). Cytogenetic location: 1p13.3.
Variant type: single nucleotide variant.
Coding change: c.1037A>T on transcript NM_006496.4 (MANE Select); coding-DNA position 1037, A replaced by T.
Protein change: p.Asn346Ile; replaces asparagine 346 with isoleucine.
Molecular consequence: missense variant.
Genome position (GRCh38, 1-based): chr1:109,592,205, A>T. VCF-style: chr1-109592205-A-T. GRCh37 (hg19) VCF-style: chr1-110134827-A-T.
Other names: short protein forms N346I.
Identifiers: ClinVar variation 1313427 (VCV001313427.2), dbSNP rs2101113277, ClinGen allele CA341525305.
Genomic context (GRCh38, chr1:109,592,205, plus strand): 5'-CCACAGACACGAAGAATGTGCAGTTTGTTTTTGATGCTGTTACAGATGTCATCATTAAAA[A>T]CAACTTAAAGGAATGTGGACTTTATTGAGAAGCATGGATGTTAGTGAAAGGTAAAGTTTC-3'
Protein context (NP_006487.1, residues 336-354): FDAVTDVIIK[Asn346Ile]NLKECGLY